The following is an entry in ClinVar:

ClinVar aggregate classification (germline): Likely benign (1 of 4 stars; one submission).

gnomAD v4.1: 3 of 1,608,796 alleles (0.00019%); highest among the groups gnomAD compares: East Asian, 0.0022%; no homozygotes.

Submission:

CeGaT Center for Human Genetics Tuebingen
Classification: Likely benign. Last evaluated: 2026-09-01. Review status: criteria provided, single submitter. Criteria: CeGaT Center For Human Genetics Tuebingen Variant Classification Criteria Version 2. Collection method: clinical testing. Allele origin: germline. Affected: yes. Observed: 2 variant alleles.
Comment: TTN: BP4, BP7

NM_001267550.2(TTN):c.11312-5251C>T

Gene: TTN (titin; minus strand). Cytogenetic location: 2q31.2.
Variant type: single nucleotide variant.
Coding change: c.11312-5251C>T on transcript NM_001267550.2 (MANE Select); 5251 bases into the intron before coding-DNA position 11312, C replaced by T.
Molecular consequence: intron variant. On other transcripts: synonymous variant (1).
Genome position (GRCh38, 1-based): chr2:178,747,172, G>A on the plus strand (C>T on the coding strand, the complement: TTN is on the minus strand). VCF-style: chr2-178747172-G-A. GRCh37 (hg19) VCF-style: chr2-179611899-G-A.
Other names: c.15228C>T, p.Pro5076= (NM_133379.5); c.10223-5251C>T (NM_003319.4); c.10799-5251C>T (NM_133437.4); c.10598-5251C>T (NM_133432.3); c.10360+5952C>T (NM_133378.4); c.10361-5251C>T (NM_001256850.1).
Identifiers: ClinVar variation 5041490 (VCV005041490.1).
Genomic context (GRCh38, chr2:178,747,172, plus strand): 5'-GGAGTATCTCTCCAGAGTCTCTCCTGGGGGTGTGGAATATCTCTCTAGAGTCTCTCCTGG[G>A]GGTGTGGAGTATCTCTCTAGAGTCTCTCCTGGAGGTGTGGAGTATCTCTCTAGTGTCTCC-3'